The following is an entry in ClinVar:

ClinVar aggregate classification (germline): Uncertain significance. Review status: criteria provided, multiple submitters, no conflicts (2 of 4 stars). 2 submissions from 2 submitters: Uncertain significance (2). Last evaluated 2025-09-10.

Conditions:
Developmental and epileptic encephalopathy, 34 (DEE34). Also called: SLC12A5-Related Epilepsy of Infancy with Migrating Focal Seizures; Early infantile epileptic encephalopathy 34. Identifiers: Orphanet 293181, MedGen C4225257, MONDO:0014718, OMIM 616645.

Allele frequency attached by ClinVar (database versions not stated): gnomAD 0.00002.
gnomAD v4.1: 19 of 1,613,838 alleles (0.0012%); highest among the groups gnomAD compares: Non-Finnish European, 0.0015%; no homozygotes.

Submissions (2):

Ambry Genetics
Classification: Uncertain significance. Last evaluated: 2025-09-10. Review status: criteria provided, single submitter. Criteria: Ambry Variant Classification Scheme 2023. Collection method: clinical testing. Allele origin: germline.

Labcorp Genetics (formerly Invitae), Labcorp
Classification: Uncertain significance for Developmental and epileptic encephalopathy, 34. Last evaluated: 2022-04-06. Review status: criteria provided, single submitter. Criteria: Invitae Variant Classification Sherloc (09022015). Collection method: clinical testing. Allele origin: germline.
Comment: This sequence change replaces tyrosine, which is neutral and polar, with phenylalanine, which is neutral and non-polar, at codon 593 of the SLC12A5 protein (p.Tyr593Phe). This variant is present in population databases (rs776767470, gnomAD 0.0009%). This variant has not been reported in the literature in individuals affected with SLC12A5-related conditions. Advanced modeling of protein sequence and biophysical properties (such as structural, functional, and spatial information, amino acid conservation, physicochemical variation, residue mobility, and thermodynamic stability) performed at Invitae indicates that this missense variant is not expected to disrupt SLC12A5 protein function. In summary, the available evidence is currently insufficient to determine the role of this variant in disease. Therefore, it has been classified as a Variant of Uncertain Significance.

NM_020708.5(SLC12A5):c.1778A>T (p.Tyr593Phe)

Gene: SLC12A5 (solute carrier family 12 member 5; plus strand). Cytogenetic location: 20q13.12.
Variant type: single nucleotide variant.
Coding change: c.1778A>T on transcript NM_020708.5 (MANE Select); coding-DNA position 1778, A replaced by T.
Protein change: p.Tyr593Phe; replaces tyrosine 593 with phenylalanine.
Molecular consequence: missense variant.
Genome position (GRCh38, 1-based): chr20:46,046,427, A>T. VCF-style: chr20-46046427-A-T. GRCh37 (hg19) VCF-style: chr20-44675066-A-T.
Other names: c.1847A>T, p.Tyr616Phe (NM_001134771.2); c.1847A>T (NM_001134771.1); short protein forms Y593F, Y616F.
Identifiers: ClinVar variation 2058682 (VCV002058682.5), dbSNP rs776767470, ClinGen allele CA315637236.